The following is an entry in ClinVar:

NM_001001557.4(GDF6):c.742C>T (p.Arg248Cys)

Gene: GDF6 (growth differentiation factor 6; minus strand). Cytogenetic location: 8q22.1.
Variant type: single nucleotide variant.
Coding change: c.742C>T on transcript NM_001001557.4 (MANE Select); coding-DNA position 742, C replaced by T.
Protein change: p.Arg248Cys; replaces arginine 248 with cysteine.
Molecular consequence: missense variant.
Genome position (GRCh38, 1-based): chr8:96,145,189, G>A on the plus strand (C>T on the coding strand, the complement: GDF6 is on the minus strand). VCF-style: chr8-96145189-G-A. GRCh37 (hg19) VCF-style: chr8-97157417-G-A.
Other names: short protein forms R248C.
Identifiers: ClinVar variation 1499382 (VCV001499382.6), dbSNP rs750809706, ClinGen allele CA181485038.

ClinVar aggregate classification (germline): Uncertain significance (1 of 4 stars; one submission).

Conditions:
Microphthalmia, isolated, with coloboma 6 (MCOPCB6). Also called: Microphthalmia with coloboma 6, digenic; Microphthalmia with coloboma 6; MICROPHTHALMIA/COLOBOMA 6. Identifiers: Orphanet 98938, MedGen C3150968, MONDO:0013376, OMIM 613703.
Klippel-Feil syndrome 1, autosomal dominant (KFS1). Also called: CERVICAL VERTEBRAL FUSION, AUTOSOMAL DOMINANT. Identifiers: Orphanet 2345, MedGen C1861689, MONDO:0007306, OMIM 118100.
Leber congenital amaurosis 17 (LCA17). Identifiers: Orphanet 65, MedGen C3715164, MONDO:0014145, OMIM 615360.
Isolated microphthalmia 4. Identifiers: Orphanet 2542, MedGen C2751307, MONDO:0013130, OMIM 613094.

gnomAD v4.1: 1 of 1,496,418 alleles (0.000067%); no homozygotes.

Submission:

Labcorp Genetics (formerly Invitae), Labcorp
Classification: Uncertain significance for Isolated microphthalmia 4; Leber congenital amaurosis 17; Klippel-Feil syndrome 1, autosomal dominant; Microphthalmia, isolated, with coloboma 6. Last evaluated: 2023-05-10. Review status: criteria provided, single submitter. Criteria: Invitae Variant Classification Sherloc (09022015). Collection method: clinical testing. Allele origin: germline.
Comment: In summary, the available evidence is currently insufficient to determine the role of this variant in disease. Therefore, it has been classified as a Variant of Uncertain Significance. An algorithm developed to predict the effect of missense changes on protein structure and function (PolyPhen-2) suggests that this variant is likely to be disruptive. ClinVar contains an entry for this variant (Variation ID: 1499382). This variant has not been reported in the literature in individuals affected with GDF6-related conditions. This variant is not present in population databases (gnomAD no frequency). This sequence change replaces arginine, which is basic and polar, with cysteine, which is neutral and slightly polar, at codon 248 of the GDF6 protein (p.Arg248Cys).